The following is an entry in ClinVar:

NM_016169.4(SUFU):c.442G>C (p.Val148Leu)

Gene: SUFU (SUFU negative regulator of hedgehog signaling; plus strand). Cytogenetic location: 10q24.32.
Variant type: single nucleotide variant.
Coding change: c.442G>C on transcript NM_016169.4 (MANE Select); coding-DNA position 442, G replaced by C.
Protein change: p.Val148Leu; replaces valine 148 with leucine.
Molecular consequence: missense variant.
Genome position (GRCh38, 1-based): chr10:102,550,094, G>C. VCF-style: chr10-102550094-G-C. GRCh37 (hg19) VCF-style: chr10-104309851-G-C.
Other names: c.442G>C, p.Val148Leu (NM_001178133.2); short protein forms V148L.
Identifiers: ClinVar variation 3963867 (VCV003963867.1).

ClinVar aggregate classification (germline): Uncertain significance (1 of 4 stars; one submission).

Conditions:
Hereditary cancer-predisposing syndrome. Also called: Tumor predisposition; Hereditary neoplastic syndrome; Hereditary Cancer Syndrome; Neoplastic Syndromes, Hereditary. Identifiers: Orphanet 140162, MedGen C0027672, MeSH D009386, MONDO:0015356.

gnomAD v4.1: 1 of 1,614,166 alleles (0.000062%); highest among the groups gnomAD compares: Admixed American, 0.0017%; no homozygotes.

Submission:

Ambry Genetics
Classification: Uncertain significance for Hereditary cancer-predisposing syndrome. Last evaluated: 2025-04-21. Review status: criteria provided, single submitter. Criteria: Ambry Variant Classification Scheme 2023. Collection method: clinical testing. Allele origin: germline.
Comment: The p.V148L variant (also known as c.442G>C), located in coding exon 3 of the SUFU gene, results from a G to C substitution at nucleotide position 442. The valine at codon 148 is replaced by leucine, an amino acid with highly similar properties. This amino acid position is conserved. In addition, this alteration is predicted to be deleterious by in silico analysis. Based on the available evidence, the clinical significance of this variant remains unclear.